The following is an entry in ClinVar:

ClinVar aggregate classification (germline): Uncertain significance. Review status: criteria provided, multiple submitters, no conflicts (2 of 4 stars). 5 submissions from 5 submitters: Uncertain significance (5). Last evaluated 2024-09-30.

Conditions:
Familial sleep-related hypermotor epilepsy. Also called: Autosomal Dominant Sleep-Related Hypermotor (Hyperkinetic) Epilepsy. Identifiers: Orphanet 98784, MedGen C3696898, MONDO:0000030.
Inborn genetic diseases. Identifiers: MedGen C0950123, MeSH D030342.
Autosomal dominant nocturnal frontal lobe epilepsy 3. Also called: CHRNB2-Related Nocturnal Frontal Lobe Epilepsy, Autosomal Dominant. Identifiers: Orphanet 98784, MedGen C1854335, MONDO:0011545, OMIM 605375.

Allele frequency attached by ClinVar (database versions not stated): gnomAD exomes 0.00002 and 0.00001; TOPMed 0.00001; ExAC 0.00002.

Submissions (5):

Athena Diagnostics
Classification: Uncertain significance. Last evaluated: 2024-09-30. Review status: criteria provided, single submitter. Criteria: Athena Diagnostics Criteria. Collection method: clinical testing. Allele origin: unknown.

Labcorp Genetics (formerly Invitae), Labcorp
Classification: Uncertain significance. Last evaluated: 2023-11-13. Review status: criteria provided, single submitter. Criteria: Invitae Variant Classification Sherloc (09022015). Collection method: clinical testing. Allele origin: germline.
Comment: This sequence change creates a premature translational stop signal (p.Cys245Leufs*7) in the CHRNB2 gene. It is expected to result in an absent or disrupted protein product. However, the current clinical and genetic evidence is not sufficient to establish whether loss-of-function variants in CHRNB2 cause disease. This variant is present in population databases (rs780184576, gnomAD 0.01%). This variant has not been reported in the literature in individuals affected with CHRNB2-related conditions. ClinVar contains an entry for this variant (Variation ID: 543531). In summary, the available evidence is currently insufficient to determine the role of this variant in disease. Therefore, it has been classified as a Variant of Uncertain Significance.

GeneDx
Classification: Uncertain significance. Last evaluated: 2020-12-11. Review status: criteria provided, single submitter. Criteria: GeneDx Variant Classification Process June 2021. Collection method: clinical testing. Allele origin: germline. Affected: yes.
Comment: Frameshift variant predicted to result in protein truncation or nonsense mediated decay in a gene for which loss-of-function is not a known mechanism of disease; Has not been previously published as pathogenic or benign to our knowledge

Baylor Genetics
Classification: Uncertain significance for Autosomal dominant nocturnal frontal lobe epilepsy 3. Last evaluated: 2018-12-24. Review status: criteria provided, single submitter. Criteria: ACMG Guidelines, 2015. Collection method: clinical testing. Allele origin: unknown. Affected: yes.
Comment: This variant was determined to be of uncertain significance according to ACMG Guidelines, 2015 [PMID:25741868].

Ambry Genetics
Classification: Uncertain significance for Inborn genetic diseases. Last evaluated: 2016-08-29. Review status: criteria provided, single submitter. Criteria: Ambry Variant Classification Scheme 2023. Collection method: clinical testing. Allele origin: germline.
Comment: The c.734delG variant (also known as p.C245Lfs*7), located in coding exon 5 of the CHRNB2 gene, results from a deletion of one nucleotide at nucleotide position 734, causing a translational frameshift with a predicted alternate stop codon. This variant was not reported in population based cohorts in the following databases: Database of Single Nucleotide Polymorphisms (dbSNP), NHLBI Exome Sequencing Project (ESP), and 1000 Genomes Project. In the ESP, this variant was not observed in 6503 samples (13006 alleles) with coverage at this position. This alteration is expected to result in loss of function by premature protein truncation or nonsense-mediated mRNA decay. However, loss of function of CHRNB2 has not been clearly established as a mechanism of disease. Since supporting evidence is limited at this time, the clinical significance of this alteration remains unclear.

NM_000748.3(CHRNB2):c.734del (p.Cys245fs)

Gene: CHRNB2 (cholinergic receptor nicotinic beta 2 subunit; plus strand). Cytogenetic location: 1q21.3.
Variant type: Deletion.
Coding change: c.734del on transcript NM_000748.3 (MANE Select); coding-DNA position 734, one base deleted (G; older notation c.734delG).
Protein change: p.Cys245fs; shifts the reading frame from cysteine 245.
Molecular consequence: frameshift variant.
Genome position (GRCh38, 1-based): chr1:154,571,557, G deleted. VCF-style (leftmost placement, unchanged base first): chr1-154571556-TG-T. GRCh37 (hg19) VCF-style: chr1-154544032-TG-T.
Other names: c.734del (NM_000748.2); short protein forms C245fs.
Identifiers: ClinVar variation 543531 (VCV000543531.17), dbSNP rs780184576, ClinGen allele CA1130774.